The following is an entry in ClinVar:

ClinVar aggregate classification (germline): Uncertain significance. Review status: criteria provided, multiple submitters, no conflicts (2 of 4 stars). 2 submissions from 2 submitters: Uncertain significance (2). Last evaluated 2023-03-02.

Conditions:
Inborn genetic diseases. Identifiers: MedGen C0950123, MeSH D030342.

Allele frequency attached by ClinVar (database versions not stated): ExAC 0.00001; gnomAD 0.00001; gnomAD exomes 0.00001; TOPMed 0.00001.
gnomAD v4.1: 22 of 1,613,944 alleles (0.0014%); highest among the groups gnomAD compares: Middle Eastern, 0.082%; no homozygotes.

Submissions (2):

Ambry Genetics
Classification: Uncertain significance for Inborn genetic diseases. Last evaluated: 2023-03-02. Review status: criteria provided, single submitter. Criteria: Ambry Variant Classification Scheme 2023. Collection method: clinical testing. Allele origin: germline.

GeneDx
Classification: Uncertain significance. Last evaluated: 2023-01-24. Review status: criteria provided, single submitter. Criteria: GeneDx Variant Classification Process June 2021. Collection method: clinical testing. Allele origin: germline. Affected: yes.
Comment: In silico analysis supports that this missense variant has a deleterious effect on protein structure/function; Has not been previously published as pathogenic or benign to our knowledge

NM_014844.5(TECPR2):c.163G>A (p.Gly55Ser)

Gene: TECPR2 (tectonin beta-propeller repeat containing 2; plus strand). Cytogenetic location: 14q32.31.
Variant type: single nucleotide variant.
Coding change: c.163G>A on transcript NM_014844.5 (MANE Select); coding-DNA position 163, G replaced by A.
Protein change: p.Gly55Ser; replaces glycine 55 with serine.
Molecular consequence: missense variant.
Genome position (GRCh38, 1-based): chr14:102,376,884, G>A. VCF-style: chr14-102376884-G-A. GRCh37 (hg19) VCF-style: chr14-102843221-G-A.
Other names: c.163G>A, p.Gly55Ser (NM_001172631.3); short protein forms G55S.
Identifiers: ClinVar variation 2466920 (VCV002466920.3), dbSNP rs766810997, ClinGen allele CA7357350.